The following is an entry in ClinVar:

NM_001081.4(CUBN):c.10835G>A (p.Arg3612Gln)

Gene: CUBN (cubilin; minus strand). Cytogenetic location: 10p13.
Variant type: single nucleotide variant.
Coding change: c.10835G>A on transcript NM_001081.4 (MANE Select); coding-DNA position 10835, G replaced by A.
Protein change: p.Arg3612Gln; replaces arginine 3612 with glutamine.
Molecular consequence: missense variant.
Genome position (GRCh38, 1-based): chr10:16,825,012, C>T on the plus strand (G>A on the coding strand, the complement: CUBN is on the minus strand). VCF-style: chr10-16825012-C-T. GRCh37 (hg19) VCF-style: chr10-16867011-C-T.
Other names: short protein forms R3612Q.
Identifiers: ClinVar variation 2418777 (VCV002418777.6), dbSNP rs142120325, ClinGen allele CA5422276.

ClinVar aggregate classification (germline): Conflicting classifications of pathogenicity. Review status: criteria provided, conflicting classifications (1 of 4 stars). 3 submissions from 3 submitters: Uncertain significance (2); Likely benign (1). Last evaluated 2024-02-21.

Conditions:
Imerslund-Grasbeck syndrome type 1 (IGS1). Also called: Megaloblastic anemia 1, Finnish type; MEGALOBLASTIC ANEMIA, 1; Imerslund-Gräsbeck syndrome 1. Identifiers: MedGen C4016819, MONDO:0100156, OMIM 261100.
Proteinuria, chronic benign. Identifiers: MedGen C5394384, MONDO:0030042, OMIM 618884.
Imerslund-Grasbeck syndrome. Also called: ENTEROCYTE COBALAMIN MALABSORPTION; ENTEROCYTE INTRINSIC FACTOR RECEPTOR, DEFECT OF; PERNICIOUS ANEMIA, JUVENILE, DUE TO SELECTIVE INTESTINAL MALABSORPTION OF VITAMIN B12, WITH PROTEINURIA; Megaloblastic anemia due to inborn errors of metabolism; Imerslund-Gräsbeck syndrome. Identifiers: Orphanet 35858, MedGen C4551825, MONDO:0009853.
Inborn genetic diseases. Identifiers: MedGen C0950123, MeSH D030342.

Allele frequency attached by ClinVar (database versions not stated): gnomAD 0.00012; ESP Exome Variant Server 0.00015; gnomAD exomes 0.00011; ExAC 0.00012; TOPMed 0.00013.
gnomAD v4.1: 193 of 1,613,516 alleles (0.012%); highest among the groups gnomAD compares: Non-Finnish European, 0.013%; no homozygotes.

Submissions (3):

Ambry Genetics
Classification: Likely benign for Inborn genetic diseases. Last evaluated: 2024-02-21. Review status: criteria provided, single submitter. Criteria: Ambry Variant Classification Scheme 2023. Collection method: clinical testing. Allele origin: germline.

Fulgent Genetics
Classification: Uncertain significance for Imerslund-Grasbeck syndrome type 1; Proteinuria, chronic benign. Last evaluated: 2024-01-20. Review status: criteria provided, single submitter. Criteria: ACMG Guidelines, 2015. Collection method: clinical testing. Allele origin: germline.

Labcorp Genetics (formerly Invitae), Labcorp
Classification: Uncertain significance for Imerslund-Grasbeck syndrome. Last evaluated: 2023-02-11. Review status: criteria provided, single submitter. Criteria: Invitae Variant Classification Sherloc (09022015). Collection method: clinical testing. Allele origin: germline.
Comment: This sequence change replaces arginine, which is basic and polar, with glutamine, which is neutral and polar, at codon 3612 of the CUBN protein (p.Arg3612Gln). This variant is present in population databases (rs142120325, gnomAD 0.05%). This variant has not been reported in the literature in individuals affected with CUBN-related conditions. Advanced modeling of protein sequence and biophysical properties (such as structural, functional, and spatial information, amino acid conservation, physicochemical variation, residue mobility, and thermodynamic stability) performed at Invitae indicates that this missense variant is not expected to disrupt CUBN protein function. In summary, the available evidence is currently insufficient to determine the role of this variant in disease. Therefore, it has been classified as a Variant of Uncertain Significance.